The following is an entry in ClinVar:

ClinVar aggregate classification (germline): Pathogenic/Likely pathogenic. Review status: criteria provided, multiple submitters, no conflicts (2 of 4 stars). 6 submissions from 6 submitters: Pathogenic (4); Likely pathogenic (1). 1 of the submissions does not count toward it. Last evaluated 2024-11-20.

Conditions:
GNAS-related disorder. Identifiers: MedGen CN380105.
Pituitary adenoma 3, multiple types. Also called: PITUITARY ADENOMA 3, ACTH-SECRETING, SOMATIC; PITUITARY ADENOMA 3, GROWTH HORMONE-SECRETING, SOMATIC. Identifiers: MedGen C4540135, MONDO:0054665, OMIM 617686.
Cushing syndrome. Also called: Cushing's syndrome; Nodular primary adrenocortical dysplasia; Adrenal hyperfunction resulting from pituitary acth excess; Ectopic adrenocorticotropic hormone syndrome; Hyperadrenocorticism. Identifiers: Orphanet 189427, MedGen C0010481, MONDO:0018912.
Pseudohypoparathyroidism type 1B (PHP1B). Also called: Pseudohypoparathyroidism Ib (PHP-Ib); PHP IB; Pseudohypoparathyroidism Type IB. Identifiers: Orphanet 94089, MedGen C1864100, MONDO:0011301, OMIM 603233.
Pseudopseudohypoparathyroidism (PPHP). Also called: ALBRIGHT HEREDITARY OSTEODYSTROPHY WITHOUT MULTIPLE HORMONE RESISTANCE; Pseudopseudohypoparathyroidism (PPHP). Identifiers: Orphanet 79445, MedGen C0033835, MONDO:0012912, OMIM 612463.
Pseudohypoparathyroidism (PHP1A). Identifiers: Orphanet 79443, Orphanet 97593, MedGen C0033806, MONDO:0019992, HP:0000852.
Pseudohypoparathyroidism type 1C (PHP1C). Also called: PSEUDOHYPOPARATHYROIDISM, TYPE IC; Pseudohypoparathyroidism Ic (PHP-Ic); PHP IC. Identifiers: Orphanet 79444, MedGen C2932716, MONDO:0012911, OMIM 612462.
Progressive osseous heteroplasia (POH). Also called: Osseus Heteroplasia, Progressive; Progressive Osseus Heteroplasia (POH); Osteoma cutis; ECTOPIC OSSIFICATION, FAMILIAL. Identifiers: Orphanet 2762, MedGen C0334041, MONDO:0008153, OMIM 166350, HP:0025027.
McCune-Albright syndrome (MAS). Also called: Fibrous Dysplasia / McCune-Albright Syndrome; ALBRIGHT SYNDROME; McCune-Albright syndrome, somatic, mosaic; Albright's Syndrome; Albright's disease. Identifiers: Orphanet 562, MedGen C0242292, MONDO:0018919, OMIM 174800.
Pseudohypoparathyroidism type I A (PHP1A). Also called: ALBRIGHT HEREDITARY OSTEODYSTROPHY WITH MULTIPLE HORMONE RESISTANCE; Pseudohypoparathyroidism Type IA; Pseudohypoparathyroidism Ia (PHP-Ia); PHP IA; Pseudohypoparathyroidism type 1A. Identifiers: Orphanet 79443, MedGen C3494506, MONDO:0007078, OMIM 103580.

Allele frequency attached by ClinVar (database versions not stated): gnomAD exomes 0.00001.

Submissions (6):

GeneDx
Classification: Pathogenic. Last evaluated: 2024-11-20. Review status: criteria provided, single submitter. Criteria: GeneDx Variant Classification Process June 2021. Collection method: clinical testing. Allele origin: germline. Affected: yes.
Comment: Initiation codon variants (Met1?) in GNAS likely lead to the use of an alternate initiation codon and the loss of the first 59 residues (PMID: 21713996, 2109828); Not observed at significant frequency in large population cohorts (gnomAD); This variant is associated with the following publications: (PMID: 2109828, 31546270, 27535533, 21713996, 31886927, 23533243)

Blueprint Genetics
Classification: Pathogenic for GNAS-related disorders. Last evaluated: 2024-08-07. Review status: criteria provided, single submitter. Criteria: ACMG Guidelines, 2015. Collection method: clinical testing. Allele origin: germline. Affected: yes. Observed: 3 variant alleles.

Labcorp Genetics (formerly Invitae), Labcorp
Classification: Pathogenic. Last evaluated: 2023-08-10. Review status: criteria provided, single submitter. Criteria: Invitae Variant Classification Sherloc (09022015). Collection method: clinical testing. Allele origin: germline.
Comment: This sequence change affects the initiator methionine of the GNAS mRNA. The next in-frame methionine is located at codon 60. This variant is not present in population databases (gnomAD no frequency). For these reasons, this variant has been classified as Pathogenic. Experimental studies have shown that disruption of the initiator codon affects GNAS function (PMID: 21713996). Algorithms developed to predict the effect of variants on protein structure and function are not available or were not evaluated for this variant. ClinVar contains an entry for this variant (Variation ID: 15927). Disruption of the initiator codon has been observed in individual(s) with Albright’s hereditary osteodystrophy (PMID: 2109828, 21713996). In at least one individual the variant was observed to be de novo.

Fulgent Genetics
Classification: Pathogenic for Pseudohypoparathyroidism type I A; Progressive osseous heteroplasia; McCune-Albright syndrome; ACTH-independent macronodular adrenal hyperplasia 1; Pseudohypoparathyroidism type 1B; Pseudohypoparathyroidism type 1C; Pseudopseudohypoparathyroidism; Pituitary adenoma 3, multiple types. Last evaluated: 2018-10-31. Review status: criteria provided, single submitter. Criteria: ACMG Guidelines, 2015. Collection method: clinical testing. Allele origin: unknown.

Juno Genomics, Hangzhou Juno Genomics, Inc
Classification: Likely pathogenic for Pseudohypoparathyroidism type I A. Review status: criteria provided, single submitter. Criteria: ACMG Guidelines, 2015. Collection method: clinical testing. Allele origin: germline. Affected: yes.
Comment: Absent from controls (or at extremely low frequency if recessive) in Genome Aggregation Database.;Null variant in a gene where loss of function (LOF) is a known mechanism of disease.;The prevalence of the variant in affected individuals is significantly increased compared to the prevalence in controls.;Assumed de novo, but without confirmation of paternity and maternity.;Co-segregation with disease in multiple affected family members.

OMIM
Classification: Pathogenic for PSEUDOHYPOPARATHYROIDISM, TYPE IA. Last evaluated: 1990-05-17. Review status: no assertion criteria provided. Collection method: literature only. Allele origin: germline. Not counted in ClinVar's aggregate classification.

Literature cited by the submitters: PubMed 21713996 (cited by Labcorp Genetics (formerly Invitae), Labcorp); PubMed 2109828 (cited by Labcorp Genetics (formerly Invitae), Labcorp and OMIM); Patten, J. L., Smallwood, P. M., Eil, C., Johns, D. R., Valle, D., Steel, G., Levine, M. A. An initiator codon mutation in the gene encoding the alpha subunit of Gs in pseudohypoparathyroidism type IA (PHP IA). (Abstract) Am. J. Hum. Genet. 45 (suppl.): A212-only, 1989. (cited by OMIM).

NM_000516.7(GNAS):c.1A>G (p.Met1Val)

Gene: GNAS (GNAS complex locus; plus strand). Cytogenetic location: 20q13.32.
Variant type: single nucleotide variant.
Coding change: c.1A>G on transcript NM_000516.7 (MANE Select); coding-DNA position 1, A replaced by G.
Protein change: p.Met1Val; changes the start codon (methionine 1).
Molecular consequence: missense variant, initiator codon variant. On other transcripts: intron variant (6).
Genome position (GRCh38, 1-based): chr20:58,891,727, A>G. VCF-style: chr20-58891727-A-G. GRCh37 (hg19) VCF-style: chr20-57466782-A-G.
Other names: c.1A>G, p.Met1Val (NM_001077488.5, NM_001077489.4, NM_001309842.2 and 1 more transcripts); c.*43-3885A>G (NM_016592.5); c.-38-3885A>G (NM_001309861.2); c.*1-3885A>G (NM_001077490.3); c.2069-3885A>G (NM_080425.4); c.*159-3885A>G (NM_001309883.1); c.-39+2374A>G (NM_001309840.2); short protein forms M1V.
Identifiers: ClinVar variation 15927 (VCV000015927.13), dbSNP rs137854530, ClinGen allele CA126055.